The following is an entry in ClinVar:

ClinVar aggregate classification (germline): Conflicting classifications of pathogenicity. Review status: criteria provided, conflicting classifications (1 of 4 stars). 4 submissions from 4 submitters: Uncertain significance (2); Likely benign (2). Last evaluated 2025-02-07.

Conditions:
Hereditary breast ovarian cancer syndrome. Also called: Hereditary breast and ovarian cancer syndrome; Hereditary breast and ovarian cancer; Hereditary breast and ovarian cancer syndrome (HBOC); Breast and ovarian cancer; Hereditary breast and/or ovarian cancer syndrome; BRCA1- and BRCA2-Associated Hereditary Breast and Ovarian Cancer. Identifiers: Orphanet 145, MedGen C0677776, MeSH D061325, MONDO:0003582. Disease mechanism: loss of function.
Hereditary cancer-predisposing syndrome. Also called: Neoplastic Syndromes, Hereditary; Tumor predisposition; Hereditary neoplastic syndrome; Hereditary Cancer Syndrome. Identifiers: Orphanet 140162, MedGen C0027672, MeSH D009386, MONDO:0015356.

Allele frequency attached by ClinVar (database versions not stated): gnomAD exomes below 0.00001.
gnomAD v4.1: 1 of 1,613,844 alleles (0.000062%); highest among the groups gnomAD compares: Non-Finnish European, 0.000085%; no homozygotes.

Submissions (4):

Mayo Clinic Laboratories, Mayo Clinic
Classification: Likely benign. Last evaluated: 2025-02-07. Review status: criteria provided, single submitter. Criteria: ACMG Guidelines, 2015. Collection method: clinical testing. Allele origin: germline. Observed: 1 variant allele.
Comment: BP1_strong

Labcorp Genetics (formerly Invitae), Labcorp
Classification: Uncertain significance for Hereditary breast ovarian cancer syndrome. Last evaluated: 2024-01-13. Review status: criteria provided, single submitter. Criteria: Invitae Variant Classification Sherloc (09022015). Collection method: clinical testing. Allele origin: germline.
Comment: This sequence change replaces histidine, which is basic and polar, with asparagine, which is neutral and polar, at codon 1905 of the BRCA2 protein (p.His1905Asn). This variant is not present in population databases (gnomAD no frequency). This variant has not been reported in the literature in individuals affected with BRCA2-related conditions. ClinVar contains an entry for this variant (Variation ID: 825917). Advanced modeling of protein sequence and biophysical properties (such as structural, functional, and spatial information, amino acid conservation, physicochemical variation, residue mobility, and thermodynamic stability) performed at Invitae indicates that this missense variant is not expected to disrupt BRCA2 protein function with a negative predictive value of 95%. In summary, the available evidence is currently insufficient to determine the role of this variant in disease. Therefore, it has been classified as a Variant of Uncertain Significance.

University of Washington Department of Laboratory Medicine, University of Washington
Classification: Likely benign for Hereditary cancer-predisposing syndrome. Last evaluated: 2023-03-23. Review status: criteria provided, single submitter. Criteria: Dines et al. (Genet Med. 2020). Collection method: curation. Allele origin: germline.
Comment: Missense variant in a coldspot region where missense variants are very unlikely to be pathogenic (PMID:31911673).

BRCA2 exon 11 coldspot. Reclassification based on statistical prior probability.

Ambry Genetics
Classification: Uncertain significance for Hereditary cancer-predisposing syndrome. Last evaluated: 2019-05-03. Review status: criteria provided, single submitter. Criteria: Ambry Variant Classification Scheme 2023. Collection method: clinical testing. Allele origin: germline.
Comment: The p.H1905N variant (also known as c.5713C>A), located in coding exon 10 of the BRCA2 gene, results from a C to A substitution at nucleotide position 5713. The histidine at codon 1905 is replaced by asparagine, an amino acid with similar properties. This amino acid position is poorly conserved in available vertebrate species. In addition, this alteration is predicted to be tolerated by in silico analysis. Since supporting evidence is limited at this time, the clinical significance of this alteration remains unclear.

NM_000059.4(BRCA2):c.5713C>A (p.His1905Asn)

Gene: BRCA2 (BRCA2 DNA repair associated; plus strand). Cytogenetic location: 13q13.1.
Variant type: single nucleotide variant.
Coding change: c.5713C>A on transcript NM_000059.4 (MANE Select); coding-DNA position 5713, C replaced by A.
Protein change: p.His1905Asn; replaces histidine 1905 with asparagine.
Molecular consequence: missense variant.
Genome position (GRCh38, 1-based): chr13:32,340,068, C>A. VCF-style: chr13-32340068-C-A. GRCh37 (hg19) VCF-style: chr13-32914205-C-A.
Other names: p.His1905Asn; short protein forms H1905N.
Identifiers: ClinVar variation 825917 (VCV000825917.10), dbSNP rs1593906278, ClinGen allele CA387786794.